The following is an entry in ClinVar:

ClinVar aggregate classification (germline): Benign/Likely benign. Review status: criteria provided, multiple submitters, no conflicts (2 of 4 stars). 14 submissions from 14 submitters: Benign (7); Likely benign (3). 4 of the submissions do not count toward it. Last evaluated 2026-08-01.

Conditions:
TSC2-related disorder. Also called: TSC2-related condition; TSC2-Related Disorders.
Hereditary cancer-predisposing syndrome. Also called: Neoplastic Syndromes, Hereditary; Tumor predisposition; Hereditary Cancer Syndrome; Hereditary neoplastic syndrome. Identifiers: Orphanet 140162, MedGen C0027672, MeSH D009386, MONDO:0015356.
Tuberous sclerosis syndrome (TSC). Also called: Tuberous Sclerosis Complex; Tuberous sclerosis. Identifiers: Orphanet 805, MedGen C0041341, MONDO:0001734.
Tuberous sclerosis 2 (TSC2). Identifiers: Orphanet 805, MedGen C1860707, MONDO:0013199, OMIM 613254.

Allele frequency attached by ClinVar (database versions not stated): TOPMed 0.00008; gnomAD exomes 0.00013 and 0.00006; gnomAD 0.00003; ExAC 0.00008; ESP Exome Variant Server 0.00008.
gnomAD v4.1: 90 of 1,613,020 alleles (0.0056%); highest among the groups gnomAD compares: Middle Eastern, 0.066%; no homozygotes.

Submissions (14):

CeGaT Center for Human Genetics Tuebingen
Classification: Likely benign. Last evaluated: 2026-08-01. Review status: criteria provided, single submitter. Criteria: CeGaT Center For Human Genetics Tuebingen Variant Classification Criteria Version 2. Collection method: clinical testing. Allele origin: germline. Affected: yes. Observed: 9 variant alleles.
Comment: TSC2: BP4, BP7

Labcorp Genetics (formerly Invitae), Labcorp
Classification: Benign for Tuberous sclerosis 2. Last evaluated: 2026-01-24. Review status: criteria provided, single submitter. Criteria: Invitae Variant Classification Sherloc (09022015). Collection method: clinical testing. Allele origin: germline.

Myriad Genetics, Inc.
Classification: Benign for Tuberous sclerosis 2. Last evaluated: 2025-05-27. Review status: criteria provided, single submitter. Criteria: Myriad Autosomal Dominant, Autosomal Recessive and X-Linked Classification Criteria (2023). Collection method: clinical testing. Allele origin: unknown.
Comment: This variant is considered benign. This variant is a silent/synonymous amino acid change and it is not expected to impact splicing.

Blueprint Genetics
Classification: Likely benign. Last evaluated: 2024-09-18. Review status: criteria provided, single submitter. Criteria: ACMG Guidelines, 2015. Collection method: clinical testing. Allele origin: germline.

All of Us Research Program, National Institutes of Health
Classification: Benign for Tuberous sclerosis syndrome. Last evaluated: 2023-12-01. Review status: criteria provided, single submitter. Criteria: ACMG Guidelines, 2015. Collection method: clinical testing. Allele origin: germline. Inheritance: Autosomal dominant inheritance. Observed: 15 variant alleles, 15 heterozygotes.
Comment: This study involves interpretation of variants in research participants for the purpose of population health screening. Participant phenotype was not available at the time of variant classification. Additional details can be found in publication PMID: 35346344, PMCID: PMC8962531

Color Diagnostics, LLC DBA Color Health
Classification: Benign for Tuberous sclerosis syndrome. Last evaluated: 2022-09-28. Review status: criteria provided, single submitter. Criteria: ACMG Guidelines, 2015. Collection method: clinical testing. Allele origin: germline.

Genome-Nilou Lab
Classification: Benign for Tuberous sclerosis 2. Last evaluated: 2021-11-07. Review status: criteria provided, single submitter. Criteria: ACMG Guidelines, 2015. Collection method: clinical testing. Allele origin: germline. Affected: no.

Sema4
Classification: Benign for Hereditary cancer-predisposing syndrome. Last evaluated: 2021-05-06. Review status: criteria provided, single submitter. Criteria: Sema4 Curation Guidelines. Collection method: curation. Allele origin: germline.

GeneDx
Classification: Benign. Last evaluated: 2019-09-27. Review status: criteria provided, single submitter. Criteria: GeneDx Variant Classification Process June 2021. Collection method: clinical testing. Allele origin: germline. Affected: yes.

Ambry Genetics
Classification: Likely benign for Hereditary cancer-predisposing syndrome. Last evaluated: 2015-03-18. Review status: criteria provided, single submitter. Criteria: Ambry Variant Classification Scheme 2023. Collection method: clinical testing. Allele origin: germline.

PreventionGenetics, part of Exact Sciences
Classification: Likely benign for TSC2-related condition. Last evaluated: 2019-10-24. Review status: no assertion criteria provided. Collection method: clinical testing. Allele origin: germline. Not counted in ClinVar's aggregate classification.
Comment: This variant is classified as likely benign based on ACMG/AMP sequence variant interpretation guidelines (Richards et al. 2015 PMID: 25741868, with internal and published modifications).

Clinical Genetics DNA and cytogenetics Diagnostics Lab, Erasmus MC, Erasmus Medical Center
Classification: Likely benign. Review status: no assertion criteria provided. Collection method: clinical testing. Allele origin: germline. Affected: yes. Study: VKGL Data-share Consensus. Not counted in ClinVar's aggregate classification.

Clinical Genetics, Academic Medical Center
Classification: Likely benign. Review status: no assertion criteria provided. Collection method: clinical testing. Allele origin: germline. Affected: yes. Study: VKGL Data-share Consensus. Not counted in ClinVar's aggregate classification.

Tuberous sclerosis database (TSC2)
No classification provided. Condition: TSC. Review status: no classification provided. Criteria: Tuberous Sclerosis Database Assertion Criteria 2015. Collection method: curation. Allele origin: germline. Affected: yes. Not counted in ClinVar's aggregate classification.

NM_000548.5(TSC2):c.3036C>T (p.Asp1012=)

Gene: TSC2 (TSC complex subunit 2; plus strand). Cytogenetic location: 16p13.3.
Variant type: single nucleotide variant.
Coding change: c.3036C>T on transcript NM_000548.5 (MANE Select); coding-DNA position 3036, C replaced by T.
Protein change: p.Asp1012=; no amino-acid change (aspartic acid 1012 retained).
Molecular consequence: synonymous variant.
Genome position (GRCh38, 1-based): chr16:2,079,101, C>T. VCF-style: chr16-2079101-C-T. GRCh37 (hg19) VCF-style: chr16-2129102-C-T.
Other names: c.2904C>T, p.Asp968= (NM_001077183.3, NM_001370404.1); c.3036C>T, p.Asp1012= (NM_001114382.3); c.2796C>T, p.Asp932= (NM_001318827.2); c.2760C>T, p.Asp920= (NM_001318829.2); c.2304C>T, p.Asp768= (NM_001318831.2); c.2937C>T, p.Asp979= (NM_001318832.2); c.2907C>T, p.Asp969= (NM_001363528.2, NM_001370405.1, NM_021055.3); c.3036C>T (NM_000548.4).
Identifiers: ClinVar variation 65303 (VCV000065303.48), dbSNP rs144997264, ClinGen allele CA018435.
Genomic context (GRCh38, chr16:2,079,101, plus strand): 5'-GACGTCCCTCACCAGTGCCAGCTTGGGGTCTGCAGATGAGAACTCCGTGGCCCAGGCTGA[C>T]GATAGCCTGAAAAACCTCCACCTGGAGCTCACGGAAACCTGTCTGGACATGATGGCTCGA-3'
Protein context (NP_000539.2, residues 1002-1022): SADENSVAQA[Asp1012=]DSLKNLHLEL